The following is an entry in ClinVar:

NM_032726.4(PLCD4):c.1791C>T (p.Gly597=)

Genes: PLCD4 (phospholipase C delta 4; plus strand), ZNF142 (zinc finger protein 142; minus strand). Cytogenetic location: 2q35.
Variant type: single nucleotide variant.
Coding change: c.1791C>T on transcript NM_032726.4 (MANE Select); coding-DNA position 1791, C replaced by T.
Protein change: p.Gly597=; no amino-acid change (glycine 597 retained).
Molecular consequence: synonymous variant. On other transcripts: 3 prime UTR variant (5).
Genome position (GRCh38, 1-based): chr2:218,634,525, C>T. VCF-style: chr2-218634525-C-T. GRCh37 (hg19) VCF-style: chr2-219499248-C-T.
Other names: NC_000002.11:g.219499248C>T; c.*3814G>A (NM_001366290.3, NM_001379659.1, NM_001379660.1 and 2 more transcripts).
Identifiers: ClinVar variation 3388098 (VCV003388098.15).

ClinVar aggregate classification (germline): Likely benign (1 of 4 stars; one submission).

gnomAD v4.1: 2,019 of 1,614,040 alleles (0.13%); highest among the groups gnomAD compares: Non-Finnish European, 0.14%; no homozygotes.

Submissions (2):

CeGaT Center for Human Genetics Tuebingen
Classification: Likely benign. Last evaluated: 2025-10-01. Review status: criteria provided, single submitter. Criteria: CeGaT Center For Human Genetics Tuebingen Variant Classification Criteria Version 2. Collection method: clinical testing. Allele origin: germline. Affected: yes. Observed: 3 variant alleles.
Comment: PLCD4: BP4, BP7

Dr. Peter K. Rogan Lab, Western University
No classification provided (evidence only). Condition: Colon adenocarcinoma. Review status: no classification provided. Collection method: in vitro. Allele origin: not applicable. Functional consequence: retained intron. Not counted in ClinVar's aggregate classification.